The following is an entry in ClinVar:

ClinVar aggregate classification (germline): Likely benign. Review status: criteria provided, multiple submitters, no conflicts (2 of 4 stars). 3 submissions from 3 submitters: Likely benign (3). Last evaluated 2025-09-25.

Allele frequency attached by ClinVar (database versions not stated): gnomAD 0.00002; TOPMed 0.00004; gnomAD exomes 0.00007; ExAC 0.00015; 1000 Genomes Project 30x 0.00016; 1000 Genomes Project 0.00020.
gnomAD v4.1: 98 of 1,610,830 alleles (0.0061%); highest among the groups gnomAD compares: South Asian, 0.086%; no homozygotes.

Submissions (3):

Ambry Genetics
Classification: Likely benign. Last evaluated: 2025-09-25. Review status: criteria provided, single submitter. Criteria: Ambry Variant Classification Scheme 2023. Collection method: clinical testing. Allele origin: germline.

Labcorp Genetics (formerly Invitae), Labcorp
Classification: Likely benign. Last evaluated: 2025-01-24. Review status: criteria provided, single submitter. Criteria: Invitae Variant Classification Sherloc (09022015). Collection method: clinical testing. Allele origin: germline.

CeGaT Center for Human Genetics Tuebingen
Classification: Likely benign. Last evaluated: 2023-03-01. Review status: criteria provided, single submitter. Criteria: CeGaT Center For Human Genetics Tuebingen Variant Classification Criteria Version 2. Collection method: clinical testing. Allele origin: germline. Affected: yes. Observed: 1 variant allele.
Comment: TOP1MT: BP4, BP7

NM_052963.3(TOP1MT):c.267G>A (p.Ala89=)

Gene: TOP1MT (DNA topoisomerase I mitochondrial; minus strand). Cytogenetic location: 8q24.3.
Variant type: single nucleotide variant.
Coding change: c.267G>A on transcript NM_052963.3 (MANE Select); coding-DNA position 267, G replaced by A.
Protein change: p.Ala89=; no amino-acid change (alanine 89 retained).
Molecular consequence: synonymous variant. On other transcripts: 5 prime UTR variant (2).
Genome position (GRCh38, 1-based): chr8:143,329,443, C>T on the plus strand (G>A on the coding strand, the complement: TOP1MT is on the minus strand). VCF-style: chr8-143329443-C-T. GRCh37 (hg19) VCF-style: chr8-144411613-C-T.
Other names: c.267G>A (NM_052963.1); c.-28G>A (NM_001258446.1, NM_001258447.1).
Identifiers: ClinVar variation 2658893 (VCV002658893.27), dbSNP rs529867928, ClinGen allele CA4908913.
Genomic context (GRCh38, chr8:143,329,443, plus strand): 5'-AACCTCCTTTGTTGTGTATTCATGATCTAACATCCTCCCATAAAAAGTGGCGACCTCCTC[C>T]GCTGCCACGCTCAATCTCACAGGCCTTCCTGCAGGCATCGGAAGACACATCGTATGAGAG-3'
Protein context (NP_443195.1, residues 79-99): EGRPVRLSVA[Ala89=]EEVATFYGRM